The following is an entry in ClinVar:

ClinVar aggregate classification (germline): Likely benign. Review status: criteria provided, multiple submitters, no conflicts (2 of 4 stars). 3 submissions from 3 submitters: Likely benign (2). 1 of the submissions does not count toward it. Last evaluated 2025-09-14.

Conditions:
ACADVL-related disorder. Also called: ACADVL-related condition.
Very long chain acyl-CoA dehydrogenase deficiency (ACADVLD). Also called: Very Long-Chain Acyl-Coenzyme A Dehydrogenase Deficiency; VLCAD Deficiency. Identifiers: Orphanet 26793, MedGen C3887523, MONDO:0008723, OMIM 201475.

Allele frequency attached by ClinVar (database versions not stated): gnomAD 0.00001; TOPMed 0.00001; ESP Exome Variant Server 0.00008.

Submissions (3):

Labcorp Genetics (formerly Invitae), Labcorp
Classification: Likely benign for Very long chain acyl-CoA dehydrogenase deficiency. Last evaluated: 2025-09-14. Review status: criteria provided, single submitter. Criteria: Invitae Variant Classification Sherloc (09022015). Collection method: clinical testing. Allele origin: germline.

Blueprint Genetics
Classification: Likely benign. Last evaluated: 2024-10-28. Review status: criteria provided, single submitter. Criteria: ACMG Guidelines, 2015. Collection method: clinical testing. Allele origin: germline.

PreventionGenetics, part of Exact Sciences
Classification: Likely benign for ACADVL-related condition. Last evaluated: 2021-09-09. Review status: no assertion criteria provided. Collection method: clinical testing. Allele origin: germline. Not counted in ClinVar's aggregate classification.
Comment: This variant is classified as likely benign based on ACMG/AMP sequence variant interpretation guidelines (Richards et al. 2015 PMID: 25741868, with internal and published modifications).

NM_000018.4(ACADVL):c.532C>T (p.Leu178=)

Gene: ACADVL (acyl-CoA dehydrogenase very long chain; plus strand). Cytogenetic location: 17p13.1.
Variant type: single nucleotide variant.
Coding change: c.532C>T on transcript NM_000018.4 (MANE Select); coding-DNA position 532, C replaced by T.
Protein change: p.Leu178=; no amino-acid change (leucine 178 retained).
Molecular consequence: synonymous variant.
Genome position (GRCh38, 1-based): chr17:7,221,592, C>T. VCF-style: chr17-7221592-C-T. GRCh37 (hg19) VCF-style: chr17-7124911-C-T.
Other names: c.466C>T, p.Leu156= (NM_001033859.3); c.601C>T, p.Leu201= (NM_001270447.2); c.304C>T, p.Leu102= (NM_001270448.2); c.532C>T (NM_000018.3).
Identifiers: ClinVar variation 1384366 (VCV001384366.11), dbSNP rs376092908, ClinGen allele CA8337755.